The following is an entry in ClinVar:

ClinVar aggregate classification (germline): Uncertain significance (1 of 4 stars; one submission).

Conditions:
Ritscher-Schinzel syndrome. Also called: CRANIOCEREBELLOCARDIAC DYSPLASIA. Identifiers: Orphanet 7, MedGen C0796137, MONDO:0019078.
Hereditary spastic paraplegia 8 (SPG8). Also called: SPASTIC PARAPLEGIA 8, AUTOSOMAL DOMINANT. Identifiers: Orphanet 100989, MedGen C1863704, MONDO:0011339, OMIM 603563.

Submission:

Labcorp Genetics (formerly Invitae), Labcorp
Classification: Uncertain significance for Ritscher-Schinzel syndrome; Hereditary spastic paraplegia 8. Last evaluated: 2024-10-11. Review status: criteria provided, single submitter. Criteria: Invitae Variant Classification Sherloc (09022015). Collection method: clinical testing. Allele origin: germline.
Comment: This sequence change replaces asparagine, which is neutral and polar, with aspartic acid, which is acidic and polar, at codon 982 of the WASHC5 protein (p.Asn982Asp). This variant is not present in population databases (gnomAD no frequency). This variant has not been reported in the literature in individuals affected with WASHC5-related conditions. Invitae Evidence Modeling of protein sequence and biophysical properties (such as structural, functional, and spatial information, amino acid conservation, physicochemical variation, residue mobility, and thermodynamic stability) has been performed for this missense variant. However, the output from this modeling did not meet the statistical confidence thresholds required to predict the impact of this variant on WASHC5 protein function. In summary, the available evidence is currently insufficient to determine the role of this variant in disease. Therefore, it has been classified as a Variant of Uncertain Significance.

NM_014846.4(WASHC5):c.2944A>G (p.Asn982Asp)

Gene: WASHC5 (WASH complex subunit 5; minus strand). Cytogenetic location: 8q24.13.
Variant type: single nucleotide variant.
Coding change: c.2944A>G on transcript NM_014846.4 (MANE Select); coding-DNA position 2944, A replaced by G.
Protein change: p.Asn982Asp; replaces asparagine 982 with aspartic acid.
Molecular consequence: missense variant.
Genome position (GRCh38, 1-based): chr8:125,039,805, T>C on the plus strand (A>G on the coding strand, the complement: WASHC5 is on the minus strand). VCF-style: chr8-125039805-T-C. GRCh37 (hg19) VCF-style: chr8-126052047-T-C.
Other names: c.2500A>G, p.Asn834Asp (NM_001330609.2); short protein forms N834D, N982D.
Identifiers: ClinVar variation 3748163 (VCV003748163.2).
Genomic context (GRCh38, chr8:125,039,805, plus strand): 5'-TAATAAACAATCCAAGCCCACGGATGGCTGTTTCAAACCCTGGCACTTACTTATTGAGAT[T>C]CTCCAGAGCAGCTGCCAGATGTTTAGAATCAAACCGACAAGAATAATTTAATTCATTGGC-3'
Protein context (NP_055661.3, residues 972-992): DSKHLAAALE[Asn982Asp]LNKALLADIE